The following is an entry in ClinVar:

ClinVar aggregate classification (germline): Uncertain significance (1 of 4 stars; one submission).

Submission:

GeneDx
Classification: Uncertain significance. Last evaluated: 2025-01-29. Review status: criteria provided, single submitter. Criteria: GeneDx Variant Classification Process June 2021. Collection method: clinical testing. Allele origin: germline. Affected: yes.
Comment: Not observed at significant frequency in large population cohorts (gnomAD); In silico analysis supports that this missense variant has a deleterious effect on protein structure/function; Has not been previously published as pathogenic or benign to our knowledge

NM_003995.4(NPR2):c.2675G>T (p.Cys892Phe)

Gene: NPR2 (natriuretic peptide receptor 2; plus strand). Cytogenetic location: 9p13.3.
Variant type: single nucleotide variant.
Coding change: c.2675G>T on transcript NM_003995.4 (MANE Select); coding-DNA position 2675, G replaced by T.
Protein change: p.Cys892Phe; replaces cysteine 892 with phenylalanine.
Molecular consequence: missense variant.
Genome position (GRCh38, 1-based): chr9:35,807,361, G>T. VCF-style: chr9-35807361-G-T. GRCh37 (hg19) VCF-style: chr9-35807358-G-T.
Other names: c.2684G>T, p.Cys895Phe (NM_001378923.1); short protein forms C892F, C895F.
Identifiers: ClinVar variation 4072547 (VCV004072547.1).
Genomic context (GRCh38, chr9:35,807,361, plus strand): 5'-CAGGGCCTCTGCTTTTCTATCCCTTTTAGGTAGTGACACTTCTTAATGACCTGTATACCT[G>T]CTTTGATGCCATAATTGACAACTTTGATGTCTACAAGGTGAGAGCTGGGGCCGCTGTTCA-3'
Protein context (NP_003986.2, residues 882-902): VVTLLNDLYT[Cys892Phe]FDAIIDNFDV